The following is an entry in ClinVar:

ClinVar aggregate classification (germline): Benign/Likely benign. Review status: criteria provided, multiple submitters, no conflicts (2 of 4 stars). 3 submissions from 3 submitters: Benign (1); Likely benign (2). Last evaluated 2025-06-03.

Allele frequency attached by ClinVar (database versions not stated): ESP Exome Variant Server 0.00008; TOPMed 0.00018; gnomAD 0.00019 and 0.00031; gnomAD exomes 0.00036; ExAC 0.00043; 1000 Genomes Project 30x 0.00047; 1000 Genomes Project 0.00060.
gnomAD v4.1: 765 of 1,613,526 alleles (0.047%); highest among the groups gnomAD compares: East Asian, 1.2%; 6 homozygotes.

Submissions (3):

Labcorp Genetics (formerly Invitae), Labcorp
Classification: Benign. Last evaluated: 2025-06-03. Review status: criteria provided, single submitter. Criteria: Invitae Variant Classification Sherloc (09022015). Collection method: clinical testing. Allele origin: germline.

Blueprint Genetics
Classification: Likely benign. Last evaluated: 2024-11-18. Review status: criteria provided, single submitter. Criteria: ACMG Guidelines, 2015. Collection method: clinical testing. Allele origin: germline.

CeGaT Center for Human Genetics Tuebingen
Classification: Likely benign. Last evaluated: 2024-06-01. Review status: criteria provided, single submitter. Criteria: CeGaT Center For Human Genetics Tuebingen Variant Classification Criteria Version 2. Collection method: clinical testing. Allele origin: germline. Affected: yes. Observed: 4 variant alleles.
Comment: CAMTA1: BP4, BP7, BS1

NM_015215.4(CAMTA1):c.1842G>A (p.Pro614=)

Gene: CAMTA1 (calmodulin binding transcription activator 1; plus strand). Cytogenetic location: 1p36.23.
Variant type: single nucleotide variant.
Coding change: c.1842G>A on transcript NM_015215.4 (MANE Select); coding-DNA position 1842, G replaced by A.
Protein change: p.Pro614=; no amino-acid change (proline 614 retained).
Molecular consequence: synonymous variant.
Genome position (GRCh38, 1-based): chr1:7,664,389, G>A. VCF-style: chr1-7664389-G-A. GRCh37 (hg19) VCF-style: chr1-7724449-G-A.
Other names: c.1752G>A, p.Pro584= (NM_001349608.2, NM_001349612.2); c.1842G>A, p.Pro614= (NM_001349609.2, NM_001349610.2).
Identifiers: ClinVar variation 719164 (VCV000719164.33), dbSNP rs138663975, ClinGen allele CA566515.